The following is an entry in ClinVar:

ClinVar aggregate classification (germline): Uncertain significance. Review status: criteria provided, multiple submitters, no conflicts (2 of 4 stars). 4 submissions from 3 submitters: Uncertain significance (4). Last evaluated 2025-06-22.

Conditions:
Autosomal dominant nonsyndromic hearing loss 6 (LFSNHL). Also called: DEAFNESS, AUTOSOMAL DOMINANT 6; DEAFNESS, AUTOSOMAL DOMINANT 14; DEAFNESS, AUTOSOMAL DOMINANT 38; Autosomal dominant nonsyndromic deafness 6; DIDMOAD (Diabetes Insipidus, Diabetes Mellitus, Optic Atrophy, and Deafness). Identifiers: Orphanet 90635, MedGen C1833021, MONDO:0010963, OMIM 600965.
WFS1-Related Spectrum Disorders.
Wolfram syndrome 1 (WFS1). Identifiers: Orphanet 3463, MedGen C4551693, MONDO:0009101, OMIM 222300.

Allele frequency attached by ClinVar (database versions not stated): gnomAD 0.00001; TOPMed 0.00002; ExAC 0.00003; gnomAD exomes 0.00003; 1000 Genomes Project 0.00020; 1000 Genomes Project 30x 0.00031.
gnomAD v4.1: 21 of 1,612,974 alleles (0.0013%); highest among the groups gnomAD compares: Middle Eastern, 0.016%; no homozygotes.

Submissions (4):

Labcorp Genetics (formerly Invitae), Labcorp
Classification: Uncertain significance. Last evaluated: 2025-06-22. Review status: criteria provided, single submitter. Criteria: Invitae Variant Classification Sherloc (09022015). Collection method: clinical testing. Allele origin: germline.
Comment: This sequence change replaces threonine, which is neutral and polar, with serine, which is neutral and polar, at codon 710 of the WFS1 protein (p.Thr710Ser). This variant is present in population databases (rs200136995, gnomAD 0.01%). This missense change has been observed in individual(s) with clinical features of WFS1-related conditions (PMID: 28993341). ClinVar contains an entry for this variant (Variation ID: 904332). Invitae Evidence Modeling of protein sequence and biophysical properties (such as structural, functional, and spatial information, amino acid conservation, physicochemical variation, residue mobility, and thermodynamic stability) indicates that this missense variant is not expected to disrupt WFS1 protein function with a negative predictive value of 95%. In summary, the available evidence is currently insufficient to determine the role of this variant in disease. Therefore, it has been classified as a Variant of Uncertain Significance.

Illumina Laboratory Services, Illumina
Classification: Uncertain significance for WFS1-Related Spectrum Disorders. Last evaluated: 2018-01-13. Review status: criteria provided, single submitter. Criteria: ICSL Variant Classification Criteria 13 December 2019. Collection method: clinical testing. Allele origin: germline.

Illumina Laboratory Services, Illumina
Classification: Uncertain significance for Autosomal dominant nonsyndromic hearing loss 6. Last evaluated: 2018-01-13. Review status: criteria provided, single submitter. Criteria: ICSL Variant Classification Criteria 13 December 2019. Collection method: clinical testing. Allele origin: germline.

Clinical Genomics, Uppaluri K&H Personalized Medicine Clinic
Classification: Uncertain significance for Wolfram syndrome 1. Review status: criteria provided, single submitter. Criteria: K & H Uppaluri Personalized Medicine Clinic Variant Classification & Assertion Criteria_Updated V.1. Collection method: research. Allele origin: unknown. Inheritance: Autosomal recessive inheritance.
Comment: Potent mutations in WFS1 gene are associated with Wolfram's syndrome, an autosomal recessive condition, which cause diabetes mellitus, diabetes insipidus, deafness and optic atrophy. However no sufficient evidence is found to ascertain the role of this particular variant rs200136995 in Wolfram's syndrome yet.

Literature cited by the submitters: PubMed 28993341 (cited by Labcorp Genetics (formerly Invitae), Labcorp); PubMed 20738327 (cited by Clinical Genomics, Uppaluri K&H Personalized Medicine Clinic); PubMed 33879153 (cited by Clinical Genomics, Uppaluri K&H Personalized Medicine Clinic); PubMed 12955714 (cited by Clinical Genomics, Uppaluri K&H Personalized Medicine Clinic); PubMed 18060660 (cited by Clinical Genomics, Uppaluri K&H Personalized Medicine Clinic); PubMed 20301750 (cited by Clinical Genomics, Uppaluri K&H Personalized Medicine Clinic); PubMed 17603484 (cited by Clinical Genomics, Uppaluri K&H Personalized Medicine Clinic).

NM_006005.3(WFS1):c.2129C>G (p.Thr710Ser)

Gene: WFS1 (wolframin ER transmembrane glycoprotein; plus strand). Cytogenetic location: 4p16.1.
Variant type: single nucleotide variant.
Coding change: c.2129C>G on transcript NM_006005.3 (MANE Select); coding-DNA position 2129, C replaced by G.
Protein change: p.Thr710Ser; replaces threonine 710 with serine.
Molecular consequence: missense variant.
Genome position (GRCh38, 1-based): chr4:6,301,924, C>G. VCF-style: chr4-6301924-C-G. GRCh37 (hg19) VCF-style: chr4-6303651-C-G.
Other names: c.2129C>G, p.Thr710Ser (NM_001145853.1); short protein forms T710S.
Identifiers: ClinVar variation 904332 (VCV000904332.12), dbSNP rs200136995, ClinGen allele CA2839609.